The following is an entry in ClinVar:

ClinVar aggregate classification (germline): Conflicting classifications of pathogenicity. Review status: criteria provided, conflicting classifications (1 of 4 stars). 3 submissions from 3 submitters: Uncertain significance (2); Benign (1). Last evaluated 2026-01-11.

Conditions:
Bethlem myopathy 1A. Also called: Bethlem Muscular Dystrophy; MYOPATHY, BENIGN CONGENITAL, WITH CONTRACTURES; Bethlem myopathy 1. Identifiers: Orphanet 610, MedGen CN029274, MONDO:0024530, OMIM 158810.
Inborn genetic diseases. Identifiers: MedGen C0950123, MeSH D030342.

Allele frequency attached by ClinVar (database versions not stated): ExAC 0.00003; gnomAD exomes 0.00003 and 0.00004; gnomAD 0.00004 and 0.00005; TOPMed 0.00005.

Submissions (3):

Labcorp Genetics (formerly Invitae), Labcorp
Classification: Benign for Bethlem myopathy 1A. Last evaluated: 2026-01-11. Review status: criteria provided, single submitter. Criteria: Invitae Variant Classification Sherloc (09022015). Collection method: clinical testing. Allele origin: germline.

Ambry Genetics
Classification: Uncertain significance for Inborn genetic diseases. Last evaluated: 2022-09-14. Review status: criteria provided, single submitter. Criteria: Ambry Variant Classification Scheme 2023. Collection method: clinical testing. Allele origin: germline.

GeneDx
Classification: Uncertain significance. Last evaluated: 2022-09-12. Review status: criteria provided, single submitter. Criteria: GeneDx Variant Classification Process June 2021. Collection method: clinical testing. Allele origin: germline. Affected: yes.
Comment: In silico analysis supports that this missense variant has a deleterious effect on protein structure/function; Has not been previously published as pathogenic or benign to our knowledge

NM_001848.3(COL6A1):c.3013C>T (p.Arg1005Cys)

Gene: COL6A1 (collagen type VI alpha 1 chain; plus strand). Cytogenetic location: 21q22.3.
Variant type: single nucleotide variant.
Coding change: c.3013C>T on transcript NM_001848.3 (MANE Select); coding-DNA position 3013, C replaced by T.
Protein change: p.Arg1005Cys; replaces arginine 1005 with cysteine.
Molecular consequence: missense variant.
Genome position (GRCh38, 1-based): chr21:46,003,939, C>T. VCF-style: chr21-46003939-C-T. GRCh37 (hg19) VCF-style: chr21-47423853-C-T.
Other names: c.3013C>T (NM_001848.2); short protein forms R1005C.
Identifiers: ClinVar variation 1023300 (VCV001023300.8), dbSNP rs780139552, ClinGen allele CA10071106.